The following is an entry in ClinVar:

ClinVar aggregate classification (germline): Uncertain significance (0 of 4 stars; one submission).

Conditions:
Bilateral vestibular schwannoma. Identifiers: MedGen C1136042, HP:0009589.

Submission:

MVZ Dr. Eberhard & Partner Dortmund
Classification: Uncertain significance for Bilateral vestibular schwannoma. Last evaluated: 2023-09-14. Review status: no assertion criteria provided. Collection method: clinical testing. Allele origin: somatic.
Comment: This variant has not yet been described in variant databases or literature and is not found in control groups of different ethnic groups. In silico splicing analyses consistently suggest that c.600-27_600-4del could affect the splice acceptor site of intron 6 and thus lead to aberrant splicing.

NM_000268.4(NF2):c.600-27_600-4del

Gene: NF2 (NF2, moesin-ezrin-radixin like (MERLIN) tumor suppressor; plus strand). Cytogenetic location: 22q12.2.
Variant type: Deletion.
Coding change: c.600-27_600-4del on transcript NM_000268.4 (MANE Select); 27 bases into the intron before coding-DNA position 600 through 4 bases into the intron before coding-DNA position 600, 24 bases deleted (TGACAGTGTCTTCCGTTCTCCCCA).
Molecular consequence: intron variant.
Genome position (GRCh38, 1-based): chr22:29,658,162-29,658,185, TGACAGTGTCTTCCGTTCTCCCCA deleted; deleting any 24 consecutive bases within chr22:29,658,161-29,658,185 gives the same sequence; the c. name uses the placement nearest the transcript's 3' end. VCF-style (leftmost placement, unchanged base first): chr22-29658160-AATGACAGTGTCTTCCGTTCTCCCC-A. GRCh37 (hg19) VCF-style: chr22-30054149-AATGACAGTGTCTTCCGTTCTCCCC-A.
Other names: c.600-27_600-4del (NM_016418.5, NM_181832.3, NM_001407060.1 and 4 more transcripts); c.486-27_486-4del (NM_001407056.1, NM_001407053.1); c.369-27_369-4del (NM_001407067.1); c.66-27_66-4del (NM_001407065.1); c.447+15877_447+15900del (NM_181833.3); c.477-27_477-4del (NM_001407058.1, NM_181829.3, NM_001407054.1 and 1 more transcripts); c.474-27_474-4del (NM_181828.3, NM_001407055.1); c.351-27_351-4del (NM_001407063.1, NM_181830.3, NM_001407064.1 and 1 more transcripts).
Identifiers: ClinVar variation 3024185 (VCV003024185.2), dbSNP rs2518573728, ClinGen allele CA645601028.
Genomic context (GRCh38, chr22:29,658,160, plus strand): 5'-GGCAGGGTCAGAATGCTTGATTTGGTGCCCACCCGCTCTCCACCCATCTCACTTAGCTCC[AATGACAGTGTCTTCCGTTCTCCCC>A]ACAGGGATGAAGCTGAAATGGAATATCTGAAGATAGCTCAGGACCTGGAGATGTACGGTG-3'